The following is an entry in ClinVar:

NM_000094.4(COL7A1):c.3276+1G>A

Gene: COL7A1 (collagen type VII alpha 1 chain; minus strand). Cytogenetic location: 3p21.31.
Variant type: single nucleotide variant.
Coding change: c.3276+1G>A on transcript NM_000094.4 (MANE Select); the canonical splice donor site of the intron after coding-DNA position 3276, G replaced by A.
Molecular consequence: splice donor variant.
Genome position (GRCh38, 1-based): chr3:48,586,971, C>T on the plus strand (G>A on the coding strand, the complement: COL7A1 is on the minus strand). VCF-style: chr3-48586971-C-T. GRCh37 (hg19) VCF-style: chr3-48624404-C-T.
Identifiers: ClinVar variation 1339081 (VCV001339081.3), dbSNP rs2045311247, ClinGen allele CA352708085.

ClinVar aggregate classification (germline): Likely pathogenic. Review status: criteria provided, multiple submitters, no conflicts (2 of 4 stars). 2 submissions from 2 submitters: Likely pathogenic (2). Last evaluated 2026-01-30.

Conditions:
Recessive dystrophic epidermolysis bullosa (RDEB). Also called: DYSTROPHIC EPIDERMOLYSIS BULLOSA, AUTOSOMAL RECESSIVE; EPIDERMOLYSIS BULLOSA DYSTROPHICA, HALLOPEAU-SIEMENS TYPE; Hallopeau-Siemens Disease; severe generalized recessive dystrophic epidermolysis bullosa; EPIDERMOLYSIS BULLOSA DYSTROPHICA, GENERALIZED SEVERE, AUTOSOMAL RECESSIVE; Epidermolysis Bullosa Distrophica Autosomal Recessive (RDEB). Identifiers: Orphanet 79408, Orphanet 79409, MedGen C0079474, MONDO:0009179, OMIM 226600.

Submissions (2):

Myriad Genetics, Inc.
Classification: Likely pathogenic for Recessive dystrophic epidermolysis bullosa. Last evaluated: 2026-01-30. Review status: criteria provided, single submitter. Criteria: Myriad Autosomal Dominant, Autosomal Recessive and X-Linked Classification Criteria (2023). Collection method: clinical testing. Allele origin: unknown.
Comment: NM_000094.3(COL7A1):c.3276+1G>A is a variant in a canonical splice site classified as likely pathogenic in the context of dystrophic epidermolysis bullosa. c.3276+1G>A has been observed in a case with relevant disease (PMID: 37556444). Relevant functional assessments of this variant are not available in the literature. c.3276+1G>A has not been observed in referenced population frequency databases. In summary, NM_000094.3(COL7A1):c.3276+1G>A is a variant in a canonical splice site that has been observed more frequently in cases with the relevant disease than in healthy populations. Please note: this variant was assessed in the context of healthy population screening.

Neuberg Centre For Genomic Medicine, NCGM
Classification: Likely pathogenic for Recessive dystrophic epidermolysis bullosa. Review status: criteria provided, single submitter. Criteria: ACMG Guidelines, 2015. Collection method: clinical testing. Allele origin: germline. Affected: yes.
Comment: The splice donor variant c.3276+1G>A in COL7A1 (NM_000094.4) has not been reported previously as a pathogenic variant nor as a benign variant, to our knowledge. The c.3276+1G>A variant is novel (not in any individuals) in gnomAD Exomes and is novel (not in any individuals) in 1000 Genomes. This variant affects an invariant splice nucelotide and hence is predicted to cause loss of function. Loss of function variants have ben previously predicted to be disease causing. For these reasons, this variant has been classified as Likely Pathogenic.

Literature cited by the submitters: PubMed 37556444 (cited by Myriad Genetics, Inc.).